The following is an entry in ClinVar:

ClinVar aggregate classification (germline): Pathogenic (1 of 4 stars; one submission).

Conditions:
Neurofibromatosis, type 1 (NF1). Also called: VON RECKLINGHAUSEN DISEASE; Peripheral type neurofibromatosis; NEUROFIBROMATOSIS, TYPE I, SOMATIC; Neurofibromatosis, type I. Identifiers: Orphanet 636, MedGen C0027831, MONDO:0018975, OMIM 162200. Disease mechanism: loss of function.

Submission:

Labcorp Genetics (formerly Invitae), Labcorp
Classification: Pathogenic for Neurofibromatosis, type 1. Last evaluated: 2018-09-24. Review status: criteria provided, single submitter. Criteria: Invitae Variant Classification Sherloc (09022015). Collection method: clinical testing. Allele origin: germline.
Comment: This sequence change inserts a large fragment of DNA, likely a transposable element, in exon 47 of the NF1 gene (c.7083_7084insAlu), causing a frameshift at codon p.Phe2361 (p.Phe2361fs). The exact size and sequence of the insertion cannot be determined by the current assay. However, the insertion is expected to result in an absent or disrupted protein product. This variant is not present in population databases (ExAC no frequency). This variant has not been reported in the literature in individuals with NF1-related disease. Algorithms developed to predict the effect of sequence changes on RNA splicing suggest that this variant may create or strengthen a splice site, but this prediction has not been confirmed by published transcriptional studies. Retrotransposon insertions including LINE1 (L1), Alu, and SVA (SINE-VNTR-Alu) have been reported to be disease-causing through disruption of either a coding region or splice site (PMID: 19763152, 20307669, 22406018) and loss-of-function variants in NF1 are known to be pathogenic (PMID: 10712197, 23913538). For these reasons, this variant has been classified as Pathogenic.

Literature cited by the submitters: PubMed 19763152; PubMed 20307669; PubMed 22406018; PubMed 10712197; PubMed 23913538.

NM_001042492.3(NF1):c.7146_7147insTTTTTTTTTTNNNNNNNNNNGGGGTTACACCGAGGTCTCGATCTCCTGACCTCGAGATCCGCACGCCTCGGCCTCCCAAAGAGCTGTGATTAAAGGCGTGAGCCACAGCGACCGGCCGGACTCAATTTC (p.Asn2383delinsPhePhePheXaaXaaXaaXaaGlyLeuHisArgGlyLeuAspLeuLeuThrSerArgSerAlaArgLeuGlyLeuProLysSerCysAspTer)

Gene: NF1 (neurofibromin 1; plus strand). Cytogenetic location: 17q11.2.
Variant type: Insertion.
Coding change: c.7146_7147insTTTTTTTTTTNNNNNNNNNNGGGGTTACACCGAGGTCTCGATCTCCTGACCTCGAGATCCGCACGCCTCGGCCTCCCAAAGAGCTGTGATTAAAGGCGTGAGCCACAGCGACCGGCCGGACTCAATTTC on transcript NM_001042492.3 (MANE Select); coding-DNA positions 7146 to 7147, TTTTTTTTTTNNNNNNNNNNGGGGTTACACCGAGGTCTCGATCTCCTGACCTCGAGATCCGCACGCCTCGGCCTCCCAAAGAGCTGTGATTAAAGGCGTGAGCCACAGCGACCGGCCGGACTCAATTTC inserted.
Protein change: p.Asn2383delinsPhePhePheXaaXaaXaaXaaGlyLeuHisArgGlyLeuAspLeuLeuThrSerArgSerAlaArgLeuGlyLeuProLysSerCysAspTer.
Molecular consequence: nonsense.
Genome position: GRCh38: chr17:31,343,092-31,343,093. GRCh37 (hg19): chr17:29,670,110-29,670,111.
Other names: c.7083_7084insTTTTTTTTTTNNNNNNNNNNGGGGTTACACCGAGGTCTCGATCTCCTGACCTCGAGATCCGCACGCCTCGGCCTCCCAAAGAGCTGTGATTAAAGGCGTGAGCCACAGCGACCGGCCGGACTCAATTTC, p.Asn2362_Pro2696delinsPhePhePheXaaXaaXaaXaaGlyLeuHisArgGlyLeuAspLeuLeuThrSerArgSerAlaArgLeuGlyLeuProLysSerCysAspTer (NM_000267.4).
Identifiers: ClinVar variation 1073014 (VCV001073014.5), dbSNP rs2151565142.